The following is an entry in ClinVar:

NM_000548.5(TSC2):c.4990G>A (p.Gly1664Ser)

Gene: TSC2 (TSC complex subunit 2; plus strand). Cytogenetic location: 16p13.3.
Variant type: single nucleotide variant.
Coding change: c.4990G>A on transcript NM_000548.5 (MANE Select); coding-DNA position 4990, G replaced by A.
Protein change: p.Gly1664Ser; replaces glycine 1664 with serine.
Molecular consequence: missense variant. On other transcripts: non-coding transcript variant (5).
Genome position (GRCh38, 1-based): chr16:2,087,863, G>A. VCF-style: chr16-2087863-G-A. GRCh37 (hg19) VCF-style: chr16-2137864-G-A.
Other names: c.4789G>A, p.Gly1597Ser (NM_001077183.3); c.4921G>A, p.Gly1641Ser (NM_001114382.3); c.4681G>A, p.Gly1561Ser (NM_001318827.2); c.4645G>A, p.Gly1549Ser (NM_001318829.2); c.4258G>A, p.Gly1420Ser (NM_001318831.2); c.4822G>A, p.Gly1608Ser (NM_001318832.2); c.4792G>A, p.Gly1598Ser (NM_001363528.2); c.4858G>A, p.Gly1620Ser (NM_001370404.1); and 26 more; short protein forms G1063S, G1149S, G1150S, G1172S, G1173S, G1193S, G1397S, G1398S.
Identifiers: ClinVar variation 3390453 (VCV003390453.2).

ClinVar aggregate classification (germline): Uncertain significance. Review status: criteria provided, multiple submitters, no conflicts (2 of 4 stars). 2 submissions from 2 submitters: Uncertain significance (2). Last evaluated 2026-07-01.

Conditions:
Hereditary cancer-predisposing syndrome. Also called: Tumor predisposition; Hereditary Cancer Syndrome; Hereditary neoplastic syndrome; Neoplastic Syndromes, Hereditary. Identifiers: Orphanet 140162, MedGen C0027672, MeSH D009386, MONDO:0015356.

Submissions (2):

Ambry Genetics
Classification: Uncertain significance for Hereditary cancer-predisposing syndrome. Last evaluated: 2026-07-01. Review status: criteria provided, single submitter. Criteria: Ambry Variant Classification Scheme 2023. Collection method: clinical testing. Allele origin: germline.
Comment: The p.G1664S variant (also known as c.4990G>A) is located in coding exon 38 of the TSC2 gene. The glycine at codon 1664 is replaced by serine, an amino acid with similar properties. This change occurs in the first base pair of coding exon 38. This amino acid position is conserved. In addition, this alteration is predicted to be deleterious by in silico analysis. Based on the available evidence, the clinical significance of this variant remains unclear.

GeneDx
Classification: Uncertain significance. Last evaluated: 2024-06-13. Review status: criteria provided, single submitter. Criteria: GeneDx Variant Classification Process June 2021. Collection method: clinical testing. Allele origin: germline. Affected: yes.
Comment: Not observed at significant frequency in large population cohorts (gnomAD); In silico analysis supports that this missense variant has a deleterious effect on protein structure/function; Has not been previously published as pathogenic or benign to our knowledge; In silico analysis suggests this variant may impact gene splicing. In the absence of RNA/functional studies, the actual effect of this sequence change is unknown.; This variant is associated with the following publications: (PMID: 18466115)